The following is an entry in ClinVar:

ClinVar aggregate classification (germline): Likely pathogenic (1 of 4 stars; one submission).

Conditions:
Cardiovascular phenotype. Identifiers: MedGen CN230736.

Submission:

Ambry Genetics
Classification: Likely pathogenic for Cardiovascular phenotype. Last evaluated: 2025-07-18. Review status: criteria provided, single submitter. Criteria: Ambry Variant Classification Scheme 2023. Collection method: clinical testing. Allele origin: germline.
Comment: The p.Y6011* variant (also known as c.18033T>G), located in coding exon 72 of the TTN gene, results from a T to G substitution at nucleotide position 18033. This changes the amino acid from a tyrosine to a stop codon within coding exon 72. This exon is located in the I-band region of the N2-B isoform of the titin protein and is constitutively expressed in TTN transcripts (percent spliced in or PSI 100%). This variant was reported in individual(s) with features consistent with dilated cardiomyopathy (Ambry internal data). This variant is considered to be rare based on population cohorts in the Genome Aggregation Database (gnomAD). This variant is expected to result in loss of function by premature protein truncation or nonsense-mediated mRNA decay. While truncating variants in TTN are present in 1-3% of the general population, truncating variants in the A-band are the most common cause of dilated cardiomyopathy (Herman DS et al. N. Engl. J. Med., 2012 Feb;366:619-28; Roberts AM et al. Sci Transl Med, 2015 Jan;7:270ra6). TTN truncating variants encoded in constitutive exons (PSI >90%) have been found to be significantly associated with DCM regardless of their position in titin (Schafer S et al. Nat. Genet., 2017 01;49:46-53; Akhtar MM et al. Circ Heart Fail, 2020 Oct;13:e006832; Massier M et al. Clin Genet, 2025 Jan). Based on the majority of available evidence to date, this variant is likely to be pathogenic.

NM_001267550.2(TTN):c.45228T>G (p.Tyr15076Ter)

Genes: TTN (titin; minus strand), LOC126806427 (BRD4-independent group 4 enhancer GRCh37_chr2:179485777-179486976; plus strand). Cytogenetic location: 2q31.2.
Variant type: single nucleotide variant.
Coding change: c.45228T>G on transcript NM_001267550.2 (MANE Select); coding-DNA position 45228, T replaced by G.
Protein change: p.Tyr15076Ter; replaces tyrosine 15076 with a stop codon.
Molecular consequence: nonsense.
Genome position (GRCh38, 1-based): chr2:178,621,596, A>C on the plus strand (T>G on the coding strand, the complement: TTN is on the minus strand). VCF-style: chr2-178621596-A-C. GRCh37 (hg19) VCF-style: chr2-179486323-A-C.
Other names: c.40305T>G, p.Tyr13435Ter (NM_001256850.1); c.18033T>G, p.Tyr6011Ter (NM_003319.4); c.37524T>G, p.Tyr12508Ter (NM_133378.4); c.18408T>G, p.Tyr6136Ter (NM_133432.3); c.18609T>G, p.Tyr6203Ter (NM_133437.4); short protein forms Y6136*, Y12508*, Y15076*, Y6011*, Y13435*, Y6203*.
Identifiers: ClinVar variation 4193726 (VCV004193726.1).